The following is an entry in ClinVar:

ClinVar aggregate classification (germline): Uncertain significance (1 of 4 stars; one submission).

Conditions:
AKT3-related disorder. Also called: AKT3-related condition.

Submission:

PreventionGenetics, part of Exact Sciences
Classification: Uncertain significance for AKT3-related condition. Last evaluated: 2022-11-11. Review status: criteria provided, single submitter. Criteria: ACMG Guidelines, 2015. Collection method: clinical testing. Allele origin: germline.
Comment: The AKT3 c.545_547delAAG variant is predicted to result in an in-frame deletion (p.Glu182del). To our knowledge, this variant has not been reported in the literature or in a large population database, indicating this variant is rare. Of note, a missense variant at an adjacent amino acid (p.Val183Asp) has been determined to be pathogenic (Nellist et al. 2015. PubMed ID: 25523067; Alcantara et al. 2017. PubMed ID: 28969385). At this time, the clinical significance of this variant is uncertain due to the absence of conclusive functional and genetic evidence.

NM_005465.7(AKT3):c.542AAG[1] (p.Glu182del)

Gene: AKT3 (AKT serine/threonine kinase 3; minus strand). Cytogenetic location: 1q44.
Variant type: Microsatellite.
Coding change: c.542AAG[1] on transcript NM_005465.7 (MANE Select); one copy of the 3-base unit AAG starting at c.542; the reference has two copies in a row; one copy, 3 bases deleted.
Protein change: p.Glu182del; deletes glutamic acid 182.
Molecular consequence: inframe deletion.
Genome position (GRCh38, 1-based): chr1:243,637,625-243,637,627, CTT deleted on the plus strand (AAG on the coding strand, the reverse complement: AKT3 is on the minus strand); deleting any 3 consecutive bases within chr1:243,637,625-243,637,630 gives the same sequence; the position shown is the placement nearest the transcript's 3' end. VCF-style (leftmost placement, unchanged base first): chr1-243637624-ACTT-A. GRCh37 (hg19) VCF-style: chr1-243800926-ACTT-A.
Other names: c.542AAG[1], p.Glu182del (NM_001206729.2, NM_001370074.1, NM_181690.2); short protein forms E182del.
Identifiers: ClinVar variation 2635080 (VCV002635080.1), dbSNP rs2528153951, ClinGen allele CA2580574303.